The following is an entry in ClinVar:

ClinVar aggregate classification (germline): Conflicting classifications of pathogenicity. Review status: criteria provided, conflicting classifications (1 of 4 stars). 3 submissions from 3 submitters: Uncertain significance (1); Likely benign (2). Last evaluated 2025-05-27.

Conditions:
Autosomal dominant hypocalcemia 1 (HYPOC1). Also called: HYPOCALCEMIA, FAMILIAL. Identifiers: MedGen C3715128, MONDO:0011013, OMIM 601198.
Familial hypocalciuric hypercalcemia (FHH). Also called: Familial benign hypercalcemia. Identifiers: Orphanet 405, MedGen C1809471, MONDO:0018458.
Nephrolithiasis/nephrocalcinosis. Identifiers: MedGen CN580796.

Allele frequency attached by ClinVar (database versions not stated): ExAC 0.00002; gnomAD 0.00002 and 0.00003; gnomAD exomes 0.00002 and 0.00004; TOPMed 0.00002.
gnomAD v4.1: 32 of 1,613,970 alleles (0.002%); highest among the groups gnomAD compares: South Asian, 0.016%; no homozygotes.

Submissions (3):

Labcorp Genetics (formerly Invitae), Labcorp
Classification: Likely benign for Familial hypocalciuric hypercalcemia; Autosomal dominant hypocalcemia 1. Last evaluated: 2025-05-27. Review status: criteria provided, single submitter. Criteria: Invitae Variant Classification Sherloc (09022015). Collection method: clinical testing. Allele origin: germline.

Ambry Genetics
Classification: Likely benign for Nephrolithiasis/nephrocalcinosis. Last evaluated: 2022-02-21. Review status: criteria provided, single submitter. Criteria: Ambry Variant Classification Scheme 2023. Collection method: clinical testing. Allele origin: germline.

GeneDx
Classification: Uncertain significance. Last evaluated: 2021-01-04. Review status: criteria provided, single submitter. Criteria: GeneDx Variant Classification Process June 2021. Collection method: clinical testing. Allele origin: germline. Affected: yes.
Comment: In silico analysis supports that this variant does not alter splicing; Has not been previously published as pathogenic or benign to our knowledge

NM_000388.4(CASR):c.57C>T (p.Ala19=)

Gene: CASR (calcium sensing receptor; plus strand). Cytogenetic location: 3q21.1.
Variant type: single nucleotide variant.
Coding change: c.57C>T on transcript NM_000388.4 (MANE Select); coding-DNA position 57, C replaced by T.
Protein change: p.Ala19=; no amino-acid change (alanine 19 retained).
Molecular consequence: synonymous variant.
Genome position (GRCh38, 1-based): chr3:122,254,246, C>T. VCF-style: chr3-122254246-C-T. GRCh37 (hg19) VCF-style: chr3-121973093-C-T.
Other names: c.57C>T, p.Ala19= (NM_001178065.2).
Identifiers: ClinVar variation 416109 (VCV000416109.15), dbSNP rs761576251, ClinGen allele CA2569412.